The following is an entry in ClinVar:

NM_015047.3(EMC1):c.1082G>T (p.Ser361Ile)

Genes: EMC1 (ER membrane protein complex subunit 1; minus strand), EMC1-AS1 (EMC1 antisense RNA 1; plus strand). Cytogenetic location: 1p36.13.
Variant type: single nucleotide variant.
Coding change: c.1082G>T on transcript NM_015047.3 (MANE Select); coding-DNA position 1082, G replaced by T.
Protein change: p.Ser361Ile; replaces serine 361 with isoleucine.
Molecular consequence: missense variant.
Genome position (GRCh38, 1-based): chr1:19,238,802, C>A on the plus strand (G>T on the coding strand, the complement: EMC1 is on the minus strand). VCF-style: chr1-19238802-C-A. GRCh37 (hg19) VCF-style: chr1-19565296-C-A.
Other names: c.1079G>T, p.Ser360Ile (NM_001271427.2, NM_001375821.1); c.1082G>T, p.Ser361Ile (NM_001271428.2, NM_001375820.1); c.1016G>T, p.Ser339Ile (NM_001271429.2); short protein forms S339I, S360I, S361I.
Identifiers: ClinVar variation 2573685 (VCV002573685.4), dbSNP rs1411324984, ClinGen allele CA338766942.
Genomic context (GRCh38, chr1:19,238,802, plus strand): 5'-TGGTGGCCTCCTGCGTCTCTAGGTCTGGCATACTGCCCAGTGCCACACCATACCTTTGAA[C>A]TAGACTTCTCCGAAAAGCTCCCCATTGACCCATCTTCAGAACTGCTACTTTTCTGCTATG-3'
Protein context (NP_055862.1, residues 351-371): GSMGSFSEKS[Ser361Ile]SKDSLACFNQ

ClinVar aggregate classification (germline): Uncertain significance. Review status: criteria provided, multiple submitters, no conflicts (2 of 4 stars). 2 submissions from 2 submitters: Uncertain significance (2). Last evaluated 2023-08-17.

Allele frequency attached by ClinVar (database versions not stated): TOPMed below 0.00001; gnomAD 0.00001.
gnomAD v4.1: 2 of 1,609,538 alleles (0.00012%); highest among the groups gnomAD compares: African/African-American, 0.0013%; no homozygotes.

Submissions (2):

Labcorp Genetics (formerly Invitae), Labcorp
Classification: Uncertain significance. Last evaluated: 2023-08-17. Review status: criteria provided, single submitter. Criteria: Invitae Variant Classification Sherloc (09022015). Collection method: clinical testing. Allele origin: germline.
Comment: This variant is not present in population databases (gnomAD no frequency). This sequence change replaces serine, which is neutral and polar, with isoleucine, which is neutral and non-polar, at codon 361 of the EMC1 protein (p.Ser361Ile). This variant has not been reported in the literature in individuals affected with EMC1-related conditions. In summary, the available evidence is currently insufficient to determine the role of this variant in disease. Therefore, it has been classified as a Variant of Uncertain Significance. An algorithm developed to predict the effect of missense changes on protein structure and function (PolyPhen-2) suggests that this variant is likely to be tolerated.

GeneDx
Classification: Uncertain significance. Last evaluated: 2023-01-18. Review status: criteria provided, single submitter. Criteria: GeneDx Variant Classification Process June 2021. Collection method: clinical testing. Allele origin: germline. Affected: yes.
Comment: Not observed at significant frequency in large population cohorts (gnomAD); In silico analysis supports that this missense variant does not alter protein structure/function; Has not been previously published as pathogenic or benign to our knowledge